The following is an entry in ClinVar:

ClinVar aggregate classification (germline): Uncertain significance (1 of 4 stars; one submission).

Conditions:
Aortic valve disease 2 (AOVD2). Identifiers: MedGen C3542024, MONDO:0013902, OMIM 614823.

Submission:

Labcorp Genetics (formerly Invitae), Labcorp
Classification: Uncertain significance for Aortic valve disease 2. Last evaluated: 2025-02-25. Review status: criteria provided, single submitter. Criteria: Invitae Variant Classification Sherloc (09022015). Collection method: clinical testing. Allele origin: germline.
Comment: This sequence change replaces leucine, which is neutral and non-polar, with histidine, which is basic and polar, at codon 269 of the SMAD6 protein (p.Leu269His). This variant is not present in population databases (gnomAD no frequency). This variant has not been reported in the literature in individuals affected with SMAD6-related conditions. ClinVar contains an entry for this variant (Variation ID: 2194997). Invitae Evidence Modeling of protein sequence and biophysical properties (such as structural, functional, and spatial information, amino acid conservation, physicochemical variation, residue mobility, and thermodynamic stability) has been performed for this missense variant. However, the output from this modeling did not meet the statistical confidence thresholds required to predict the impact of this variant on SMAD6 protein function. In summary, the available evidence is currently insufficient to determine the role of this variant in disease. Therefore, it has been classified as a Variant of Uncertain Significance.

NM_005585.5(SMAD6):c.806T>A (p.Leu269His)

Gene: SMAD6 (SMAD family member 6; plus strand). Cytogenetic location: 15q22.31.
Variant type: single nucleotide variant.
Coding change: c.806T>A on transcript NM_005585.5 (MANE Select); coding-DNA position 806, T replaced by A.
Protein change: p.Leu269His; replaces leucine 269 with histidine.
Molecular consequence: missense variant. On other transcripts: non-coding transcript variant (1).
Genome position (GRCh38, 1-based): chr15:66,704,064, T>A. VCF-style: chr15-66704064-T-A. GRCh37 (hg19) VCF-style: chr15-66996402-T-A.
Other names: short protein forms L269H.
Identifiers: ClinVar variation 2194997 (VCV002194997.4), dbSNP rs1012969627, ClinGen allele CA392950286.